The following is an entry in ClinVar:

ClinVar aggregate classification (germline): Uncertain significance (1 of 4 stars; one submission).

Conditions:
Wolman disease (WOLD). Also called: LYSOSOMAL ACID LIPASE DEFICIENCY, ACUTE INFANTILE; LYSOSOMAL ACID LIPASE DEFICIENCY, COMPLETE; LIPA DEFICIENCY, COMPLETE; LAL DEFICIENCY, COMPLETE; CHOLESTEROL ESTER HYDROLASE DEFICIENCY, COMPLETE; Acid cholesteryl ester hydrolase deficiency, Wolman type. Identifiers: Orphanet 75233, MedGen C0043208, MONDO:0019148, OMIM 620151.

Submission:

Labcorp Genetics (formerly Invitae), Labcorp
Classification: Uncertain significance for Wolman disease. Last evaluated: 2020-12-21. Review status: criteria provided, single submitter. Criteria: Invitae Variant Classification Sherloc (09022015). Collection method: clinical testing. Allele origin: germline.
Comment: In summary, the available evidence is currently insufficient to determine the role of this variant in disease. Therefore, it has been classified as a Variant of Uncertain Significance. Algorithms developed to predict the effect of missense changes on protein structure and function are either unavailable or do not agree on the potential impact of this missense change (SIFT: "Tolerated"; PolyPhen-2: "Probably Damaging"; Align-GVGD: "Class C0"). This variant has not been reported in the literature in individuals with LIPA-related conditions. This variant is not present in population databases (ExAC no frequency). This sequence change replaces histidine with proline at codon 319 of the LIPA protein (p.His319Pro). The histidine residue is moderately conserved and there is a moderate physicochemical difference between histidine and proline.

NM_000235.4(LIPA):c.956A>C (p.His319Pro)

Gene: LIPA (lipase A, lysosomal acid type; minus strand). Cytogenetic location: 10q23.31.
Variant type: single nucleotide variant.
Coding change: c.956A>C on transcript NM_000235.4 (MANE Select); coding-DNA position 956, A replaced by C.
Protein change: p.His319Pro; replaces histidine 319 with proline.
Molecular consequence: missense variant.
Genome position (GRCh38, 1-based): chr10:89,215,948, T>G on the plus strand (A>C on the coding strand, the complement: LIPA is on the minus strand). VCF-style: chr10-89215948-T-G. GRCh37 (hg19) VCF-style: chr10-90975705-T-G.
Other names: c.956A>C, p.His319Pro (NM_001127605.3); c.608A>C, p.His203Pro (NM_001288979.2); short protein forms H319P, H203P.
Identifiers: ClinVar variation 1497982 (VCV001497982.8), dbSNP rs1842620342, ClinGen allele CA377516479.